The following is an entry in ClinVar:

NM_004204.5(PIGQ):c.*90T>C

Gene: PIGQ (phosphatidylinositol glycan anchor biosynthesis class Q; plus strand). Cytogenetic location: 16p13.3.
Variant type: single nucleotide variant.
Coding change: c.*90T>C on transcript NM_004204.5 (MANE Select); 90 bases downstream of the stop codon, T replaced by C.
Molecular consequence: 3 prime UTR variant. On other transcripts: missense variant (1).
Genome position (GRCh38, 1-based): chr16:583,125, T>C. VCF-style: chr16-583125-T-C. GRCh37 (hg19) VCF-style: chr16-633125-T-C.
Other names: c.1774T>C, p.Cys592Arg (NM_148920.4); short protein forms C592R.
Identifiers: ClinVar variation 1265550 (VCV001265550.6), dbSNP rs1045277, ClinGen allele CA7780538.

ClinVar aggregate classification (germline): Benign. Review status: criteria provided, multiple submitters, no conflicts (2 of 4 stars). 4 submissions from 4 submitters: Benign (4). Last evaluated 2024-11-27.

Allele frequency attached by ClinVar (database versions not stated): ESP Exome Variant Server 0.43024; gnomAD exomes 0.44847 and 0.48814; TOPMed 0.45127; gnomAD 0.45156 and 0.46014; ExAC 0.49073; 1000 Genomes Project 30x 0.52639; 1000 Genomes Project 0.53075.
gnomAD v4.1: 724,683 of 1,612,980 alleles (45%); highest among the groups gnomAD compares: East Asian, 66%; 167,361 homozygotes.

Submissions (4):

Blueprint Genetics
Classification: Benign. Last evaluated: 2024-11-27. Review status: criteria provided, single submitter. Criteria: ACMG Guidelines, 2015. Collection method: clinical testing. Allele origin: germline.

Unidad de Genómica Garrahan, Hospital de Pediatría Garrahan
Classification: Benign. Last evaluated: 2024-07-15. Review status: criteria provided, single submitter. Criteria: ACMG Guidelines, 2015. Collection method: clinical testing. Allele origin: germline. Affected: no. Observed: 67 variant alleles.
Comment: This variant is classified as Benign based on local population frequency. This variant was detected in 72% of patients studied in a panel designed for Epileptic and Developmental Encephalopathy and Progressive Myoclonus Epilepsy. Number of patients: 67. Only high quality variants are reported.

GeneDx
Classification: Benign. Last evaluated: 2020-08-07. Review status: criteria provided, single submitter. Criteria: GeneDx Variant Classification Process June 2021. Collection method: clinical testing. Allele origin: germline. Affected: yes.

Breakthrough Genomics
Classification: Benign. Review status: criteria provided, single submitter. Criteria: ACMG Guidelines, 2015. Collection method: not provided. Allele origin: germline. Inheritance: Autosomal recessive inheritance. Affected: yes.